The following is an entry in ClinVar:

NM_000051.4(ATM):c.1591G>T (p.Ala531Ser)

Gene: ATM (ATM serine/threonine kinase; plus strand). Cytogenetic location: 11q22.3.
Variant type: single nucleotide variant.
Coding change: c.1591G>T on transcript NM_000051.4 (MANE Select); coding-DNA position 1591, G replaced by T.
Protein change: p.Ala531Ser; replaces alanine 531 with serine.
Molecular consequence: missense variant.
Genome position (GRCh38, 1-based): chr11:108,251,056, G>T. VCF-style: chr11-108251056-G-T. GRCh37 (hg19) VCF-style: chr11-108121783-G-T.
Other names: c.1591G>T, p.Ala531Ser (NM_001351834.2); short protein forms A531S.
Identifiers: ClinVar variation 1036087 (VCV001036087.9), dbSNP rs876660941, ClinGen allele CA382534424.

ClinVar aggregate classification (germline): Uncertain significance (1 of 4 stars; one submission).

Conditions:
Ataxia-telangiectasia syndrome (AT). Also called: Ataxia-telangiectasia, complementation group D; ATAXIA-TELANGIECTASIA, COMPLEMENTATION GROUP A; ATAXIA-TELANGIECTASIA, FRESNO VARIANT; Ataxia-telangiectasia; Ataxia-telangiectasia, complementation group E; LOUIS-BAR SYNDROME. Identifiers: Orphanet 100, MedGen C0004135, MONDO:0008840, OMIM 208900.

Submission:

Labcorp Genetics (formerly Invitae), Labcorp
Classification: Uncertain significance for Ataxia-telangiectasia syndrome. Last evaluated: 2020-02-21. Review status: criteria provided, single submitter. Criteria: Invitae Variant Classification Sherloc (09022015). Collection method: clinical testing. Allele origin: germline.
Comment: In summary, the available evidence is currently insufficient to determine the role of this variant in disease. Therefore, it has been classified as a Variant of Uncertain Significance. Algorithms developed to predict the effect of missense changes on protein structure and function (SIFT, PolyPhen-2, Align-GVGD) all suggest that this variant is likely to be tolerated, but these predictions have not been confirmed by published functional studies and their clinical significance is uncertain. This variant has not been reported in the literature in individuals with ATM-related conditions. This variant is not present in population databases (ExAC no frequency). This sequence change replaces alanine with serine at codon 531 of the ATM protein (p.Ala531Ser). The alanine residue is moderately conserved and there is a moderate physicochemical difference between alanine and serine.